The following is an entry in ClinVar:

NM_000245.4(MET):c.1169A>C (p.Tyr390Ser)

Gene: MET (MET proto-oncogene, receptor tyrosine kinase; plus strand). Cytogenetic location: 7q31.2.
Variant type: single nucleotide variant.
Coding change: c.1169A>C on transcript NM_000245.4 (MANE Select); coding-DNA position 1169, A replaced by C.
Protein change: p.Tyr390Ser; replaces tyrosine 390 with serine.
Molecular consequence: missense variant. On other transcripts: intron variant (1).
Genome position (GRCh38, 1-based): chr7:116,700,253, A>C. VCF-style: chr7-116700253-A-C. GRCh37 (hg19) VCF-style: chr7-116340307-A-C.
Other names: c.1169A>C, p.Tyr390Ser (NM_001127500.3, NM_001324401.3); c.-91+27676A>C (NM_001324402.2); short protein forms Y390S.
Identifiers: ClinVar variation 4053933 (VCV004053933.1).
Genomic context (GRCh38, chr7:116,700,253, plus strand): 5'-TCAACGACTTCTTCAACAAGATCGTCAACAAAAACAATGTGAGATGTCTCCAGCATTTTT[A>C]CGGACCCAATCATGAGCACTGCTTTAATAGGGTAAGTCACATCAGTTCCCCACTTATAAA-3'
Protein context (NP_000236.2, residues 380-400): KNNVRCLQHF[Tyr390Ser]GPNHEHCFNR

ClinVar aggregate classification (germline): Uncertain significance (1 of 4 stars; one submission).

Conditions:
Hereditary cancer-predisposing syndrome. Also called: Neoplastic Syndromes, Hereditary; Tumor predisposition; Hereditary neoplastic syndrome; Hereditary Cancer Syndrome. Identifiers: Orphanet 140162, MedGen C0027672, MeSH D009386, MONDO:0015356.

Submission:

Ambry Genetics
Classification: Uncertain significance for Hereditary cancer-predisposing syndrome. Last evaluated: 2025-03-30. Review status: criteria provided, single submitter. Criteria: Ambry Variant Classification Scheme 2023. Collection method: clinical testing. Allele origin: germline.
Comment: The p.Y390S variant (also known as c.1169A>C), located in coding exon 1 of the MET gene, results from an A to C substitution at nucleotide position 1169. The tyrosine at codon 390 is replaced by serine, an amino acid with dissimilar properties. This amino acid position is conserved. In addition, this alteration is predicted to be tolerated by in silico analysis. Based on the available evidence, the clinical significance of this variant remains unclear.